The following is an entry in ClinVar:

NM_198428.3(BBS9):c.1962G>T (p.Glu654Asp)

Gene: BBS9 (Bardet-Biedl syndrome 9; plus strand). Cytogenetic location: 7p14.3.
Variant type: single nucleotide variant.
Coding change: c.1962G>T on transcript NM_198428.3 (MANE Select); coding-DNA position 1962, G replaced by T.
Protein change: p.Glu654Asp; replaces glutamic acid 654 with aspartic acid.
Molecular consequence: missense variant. On other transcripts: non-coding transcript variant (3).
Genome position (GRCh38, 1-based): chr7:33,383,838, G>T. VCF-style: chr7-33383838-G-T. GRCh37 (hg19) VCF-style: chr7-33423450-G-T.
Other names: c.1857G>T, p.Glu619Asp (NM_001033604.2); c.1947G>T, p.Glu649Asp (NM_001033605.2); c.1962G>T, p.Glu654Asp (NM_001348036.1, NM_001348041.4, NM_001348043.3 and 1 more transcripts); c.1596G>T, p.Glu532Asp (NM_001348037.3, NM_001348045.3, NM_001348046.3); c.1689G>T, p.Glu563Asp (NM_001348038.3); c.1584G>T, p.Glu528Asp (NM_001348039.3); c.1842G>T, p.Glu614Asp (NM_001348040.3, NM_014451.4); c.1827G>T, p.Glu609Asp (NM_001348042.3); and 1 more; short protein forms E497D, E532D, E563D, E609D, E614D, E649D, E528D, E619D.
Identifiers: ClinVar variation 4985789 (VCV004985789.1).

ClinVar aggregate classification (germline): Uncertain significance (1 of 4 stars; one submission).

Conditions:
BBS9-related disorder. Also called: BBS9-related condition.

gnomAD v4.1: 4 of 1,610,868 alleles (0.00025%); highest among the groups gnomAD compares: Admixed American, 0.0067%; no homozygotes.

Submission:

PreventionGenetics, part of Exact Sciences
Classification: Uncertain significance for BBS9-related condition. Last evaluated: 2024-12-18. Review status: criteria provided, single submitter. Criteria: ACMG Guidelines, 2015. Collection method: clinical testing. Allele origin: germline.
Comment: The BBS9 c.1962G>T variant is predicted to result in the amino acid substitution p.Glu654Asp. To our knowledge, this variant has not been reported in the literature. This variant is reported in 0.012% of alleles in individuals of Latino descent in gnomAD. At this time, the clinical significance of this variant is uncertain due to the absence of conclusive functional and genetic evidence.